The following is an entry in ClinVar:

ClinVar aggregate classification (germline): Uncertain significance. Review status: criteria provided, multiple submitters, no conflicts (2 of 4 stars). 2 submissions from 2 submitters: Uncertain significance (2). Last evaluated 2024-11-15.

Conditions:
Susceptibility to respiratory infections associated with CD8alpha chain mutation (IMD116). Also called: IMMUNODEFICIENCY 116; Cd8 deficiency, familial. Identifiers: Orphanet 169085, MedGen C1837065, MONDO:0012161, OMIM 608957.

Submissions (2):

Blueprint Genetics
Classification: Uncertain significance. Last evaluated: 2024-11-15. Review status: criteria provided, single submitter. Criteria: ACMG Guidelines, 2015. Collection method: clinical testing. Allele origin: germline.

Center for Genomics, Ann and Robert H. Lurie Children's Hospital of Chicago
Classification: Uncertain significance for Susceptibility to respiratory infections associated with CD8alpha chain mutation. Last evaluated: 2021-03-30. Review status: criteria provided, single submitter. Criteria: ACMG Guidelines, 2015. Collection method: clinical testing. Allele origin: germline.
Comment: CD8A NM_001768.6 exon 2 p.Pro130Leu (c.389C>T): This variant has not been reported in the literature and is not present in large control databases. Evolutionary conservation and computational predictive tools for this variant are unclear. In summary, data on this variant is insufficient for disease classification. Therefore, the clinical significance of this variant is uncertain.

NM_001768.7(CD8A):c.389C>T (p.Pro130Leu)

Gene: CD8A (CD8 subunit alpha; minus strand). Cytogenetic location: 2p11.2.
Variant type: single nucleotide variant.
Coding change: c.389C>T on transcript NM_001768.7 (MANE Select); coding-DNA position 389, C replaced by T.
Protein change: p.Pro130Leu; replaces proline 130 with leucine.
Molecular consequence: missense variant. On other transcripts: non-coding transcript variant (3).
Genome position (GRCh38, 1-based): chr2:86,790,342, G>A on the plus strand (C>T on the coding strand, the complement: CD8A is on the minus strand). VCF-style: chr2-86790342-G-A. GRCh37 (hg19) VCF-style: chr2-87017465-G-A.
Other names: c.389C>T, p.Pro130Leu (NM_001145873.1, NM_001382698.1, NM_171827.4); short protein forms P130L.
Identifiers: ClinVar variation 992560 (VCV000992560.3), dbSNP rs368425695, ClinGen allele CA347576714.